The following is an entry in ClinVar:

NM_005051.3(QARS1):c.101G>C (p.Arg34Pro)

Genes: QARS1 (glutaminyl-tRNA synthetase 1; minus strand), LOC129936736 (ATAC-STARR-seq lymphoblastoid active region 19853; plus strand). Cytogenetic location: 3p21.31.
Variant type: single nucleotide variant.
Coding change: c.101G>C on transcript NM_005051.3 (MANE Select); coding-DNA position 101, G replaced by C.
Protein change: p.Arg34Pro; replaces arginine 34 with proline.
Molecular consequence: missense variant. On other transcripts: non-coding transcript variant (1).
Genome position (GRCh38, 1-based): chr3:49,104,633, C>G on the plus strand (G>C on the coding strand, the complement: QARS1 is on the minus strand). VCF-style: chr3-49104633-C-G. GRCh37 (hg19) VCF-style: chr3-49142066-C-G.
Other names: c.101G>C, p.Arg34Pro (NM_001272073.2); short protein forms R34P.
Identifiers: ClinVar variation 858948 (VCV000858948.5), dbSNP rs1261477095, ClinGen allele CA352723655.

ClinVar aggregate classification (germline): Uncertain significance (1 of 4 stars; one submission).

Conditions:
Diffuse cerebral and cerebellar atrophy - intractable seizures - progressive microcephaly syndrome. Also called: Microcephaly, progressive, with seizures and cerebral and cerebellar atrophy. Identifiers: Orphanet 404437, MedGen C4014239, MONDO:0014335, OMIM 615760.

Allele frequency attached by ClinVar (database versions not stated): TOPMed 0.00001.

Submission:

Labcorp Genetics (formerly Invitae), Labcorp
Classification: Uncertain significance for Diffuse cerebral and cerebellar atrophy - intractable seizures - progressive microcephaly syndrome. Last evaluated: 2022-07-06. Review status: criteria provided, single submitter. Criteria: Invitae Variant Classification Sherloc (09022015). Collection method: clinical testing. Allele origin: germline.
Comment: This variant is not present in population databases (gnomAD no frequency). In summary, the available evidence is currently insufficient to determine the role of this variant in disease. Therefore, it has been classified as a Variant of Uncertain Significance. Algorithms developed to predict the effect of missense changes on protein structure and function are either unavailable or do not agree on the potential impact of this missense change (SIFT: "Tolerated"; PolyPhen-2: "Probably Damaging"; Align-GVGD: "Class C0"). ClinVar contains an entry for this variant (Variation ID: 858948). This variant has not been reported in the literature in individuals affected with QARS-related conditions. This sequence change replaces arginine, which is basic and polar, with proline, which is neutral and non-polar, at codon 34 of the QARS protein (p.Arg34Pro).